The following is an entry in ClinVar:

NM_000257.4(MYH7):c.4581G>A (p.Glu1527=)

Genes: MHRT (myosin heavy chain associated RNA transcript; plus strand), MYH7 (myosin heavy chain 7; minus strand). Cytogenetic location: 14q11.2.
Variant type: single nucleotide variant.
Coding change: c.4581G>A on transcript NM_000257.4 (MANE Select); coding-DNA position 4581, G replaced by A.
Protein change: p.Glu1527=; no amino-acid change (glutamic acid 1527 retained).
Molecular consequence: synonymous variant. On other transcripts: non-coding transcript variant (1).
Genome position (GRCh38, 1-based): chr14:23,416,931, C>T on the plus strand (G>A on the coding strand, the complement: MYH7 is on the minus strand). VCF-style: chr14-23416931-C-T. GRCh37 (hg19) VCF-style: chr14-23886140-C-T.
Identifiers: ClinVar variation 1541113 (VCV001541113.30), dbSNP rs2138644369, ClinGen allele CA485616311.

ClinVar aggregate classification (germline): Likely benign. Review status: criteria provided, multiple submitters, no conflicts (2 of 4 stars). 2 submissions from 2 submitters: Likely benign (2). Last evaluated 2023-12-01.

Conditions:
Hypertrophic cardiomyopathy. Also called: HYPERTROPHIC MYOCARDIOPATHY. Identifiers: Orphanet 217569, MedGen C0007194, MeSH D002312, MONDO:0005045, HP:0001639.

Submissions (2):

CeGaT Center for Human Genetics Tuebingen
Classification: Likely benign. Last evaluated: 2023-12-01. Review status: criteria provided, single submitter. Criteria: CeGaT Center For Human Genetics Tuebingen Variant Classification Criteria Version 2. Collection method: clinical testing. Allele origin: germline. Affected: yes. Observed: 1 variant allele.
Comment: MYH7: PM2:Supporting, BP4, BP7

Labcorp Genetics (formerly Invitae), Labcorp
Classification: Likely benign for Hypertrophic cardiomyopathy. Last evaluated: 2021-03-15. Review status: criteria provided, single submitter. Criteria: Invitae Variant Classification Sherloc (09022015). Collection method: clinical testing. Allele origin: germline.